The following is an entry in ClinVar:

ClinVar aggregate classification (germline): Benign (1 of 4 stars; one submission).

Allele frequency attached by ClinVar (database versions not stated): 1000 Genomes Project 0.13978; 1000 Genomes Project 30x 0.14444; gnomAD 0.15521 and 0.16166; TOPMed 0.16584.
gnomAD v4.1: 23,515 of 151,796 alleles (15%); highest among the groups gnomAD compares: African/African-American, 31%; 2,519 homozygotes.

Submissions (11):

GeneDx
Classification: Benign. Last evaluated: 2018-06-14. Review status: criteria provided, single submitter. Criteria: GeneDx Variant Classification (06012015). Collection method: clinical testing. Allele origin: germline. Affected: yes.
Comment: This variant is considered likely benign or benign based on one or more of the following criteria: it is a conservative change, it occurs at a poorly conserved position in the protein, it is predicted to be benign by multiple in silico algorithms, and/or has population frequency not consistent with disease.

Dr. Peter K. Rogan Lab, Western University
No classification provided (evidence only). Condition: Familial cancer of breast. Review status: no classification provided. Collection method: in vitro. Allele origin: not applicable. Functional consequence: retained intron. Not counted in ClinVar's aggregate classification.

Dr. Peter K. Rogan Lab, Western University
No classification provided (evidence only). Condition: Acute myeloid leukemia. Review status: no classification provided. Collection method: in vitro. Allele origin: not applicable. Functional consequence: retained intron. Not counted in ClinVar's aggregate classification.

Dr. Peter K. Rogan Lab, Western University
No classification provided (evidence only). Condition: Acute myeloid leukemia. Review status: no classification provided. Collection method: in vitro. Allele origin: not applicable. Functional consequence: retained intron. Not counted in ClinVar's aggregate classification.

Dr. Peter K. Rogan Lab, Western University
No classification provided (evidence only). Condition: Acute myeloid leukemia. Review status: no classification provided. Collection method: in vitro. Allele origin: not applicable. Functional consequence: retained intron. Not counted in ClinVar's aggregate classification.

Dr. Peter K. Rogan Lab, Western University
No classification provided (evidence only). Condition: Acute myeloid leukemia. Review status: no classification provided. Collection method: in vitro. Allele origin: not applicable. Functional consequence: skipped exon. Not counted in ClinVar's aggregate classification.

Dr. Peter K. Rogan Lab, Western University
No classification provided (evidence only). Condition: Uterine corpus endometrial carcinoma. Review status: no classification provided. Collection method: in vitro. Allele origin: not applicable. Functional consequence: retained intron. Not counted in ClinVar's aggregate classification.

Dr. Peter K. Rogan Lab, Western University
No classification provided (evidence only). Condition: Sarcoma. Review status: no classification provided. Collection method: in vitro. Allele origin: not applicable. Functional consequence: retained intron. Not counted in ClinVar's aggregate classification.

Dr. Peter K. Rogan Lab, Western University
No classification provided (evidence only). Condition: Sarcoma. Review status: no classification provided. Collection method: in vitro. Allele origin: not applicable. Functional consequence: retained intron. Not counted in ClinVar's aggregate classification.

Dr. Peter K. Rogan Lab, Western University
No classification provided (evidence only). Condition: Cholangiocarcinoma. Review status: no classification provided. Collection method: in vitro. Allele origin: not applicable. Functional consequence: retained intron. Not counted in ClinVar's aggregate classification.

Dr. Peter K. Rogan Lab, Western University
No classification provided (evidence only). Condition: Malignant tumor of esophagus. Review status: no classification provided. Collection method: in vitro. Allele origin: not applicable. Functional consequence: retained intron. Not counted in ClinVar's aggregate classification.

NM_001698.3(AUH):c.598+235C>T

Gene: AUH (AU RNA binding methylglutaconyl-CoA hydratase; minus strand). Cytogenetic location: 9q22.31.
Variant type: single nucleotide variant.
Coding change: c.598+235C>T on transcript NM_001698.3 (MANE Select); 235 bases into the intron after coding-DNA position 598, C replaced by T.
Molecular consequence: intron variant.
Genome position (GRCh38, 1-based): chr9:91,297,749, G>A on the plus strand (C>T on the coding strand, the complement: AUH is on the minus strand). VCF-style: chr9-91297749-G-A. GRCh37 (hg19) VCF-style: chr9-94060031-G-A.
Other names: NC_000009.11:g.94060031G>A; c.511+235C>T (NM_001306190.2); c.271+235C>T (NM_001351433.2, NM_001351431.2, NM_001351432.2).
Identifiers: ClinVar variation 669693 (VCV000669693.2), dbSNP rs75779763, ClinGen allele CA13098786.
Genomic context (GRCh38, chr9:91,297,749, plus strand): 5'-CTCAAGTGATCCTCCCACCTCAGCCTCCCAAAGTGCTGGGATTAGAGGTGCAAGCCACGC[G>A]CCTGGTCCAGGACCTAAGATTCAAACTCAGTTCTACCTGACCCAAATCCTGGCAAGAAAC-3'